The following is an entry in ClinVar:

ClinVar aggregate classification (germline): Uncertain significance (0 of 4 stars; one submission).

Conditions:
PCSK1-related disorder. Also called: PCSK1-related condition.

gnomAD v4.1: 3 of 1,613,512 alleles (0.00019%); highest among the groups gnomAD compares: Non-Finnish European, 0.00025%; no homozygotes.

Submission:

PreventionGenetics, part of Exact Sciences
Classification: Uncertain significance for PCSK1-related condition. Last evaluated: 2023-10-25. Review status: no assertion criteria provided. Collection method: clinical testing. Allele origin: germline.
Comment: The PCSK1 c.1538T>C variant is predicted to result in the amino acid substitution p.Ile513Thr. This variant was observed in a cohort of obese individuals, and in vitro functional studies showed strong evidence of loss of function (Supplemental Data Set, Shah et al. 2023. PubMed ID: 36864747). This variant has not been reported in a large population database, indicating this variant is rare. Although we suspect this variant may be pathogenic, at this time, the clinical significance of this variant is uncertain due to the absence of conclusive functional and genetic evidence.

NM_000439.5(PCSK1):c.1538T>C (p.Ile513Thr)

Genes: CAST (calpastatin; plus strand), PCSK1 (proprotein convertase subtilisin/kexin type 1; minus strand), LOC101929710 (uncharacterized LOC101929710; plus strand). Cytogenetic location: 5q15.
Variant type: single nucleotide variant.
Coding change: c.1538T>C on transcript NM_000439.5 (MANE Select); coding-DNA position 1538, T replaced by C.
Protein change: p.Ile513Thr; replaces isoleucine 513 with threonine.
Molecular consequence: missense variant. On other transcripts: intron variant (11).
Genome position (GRCh38, 1-based): chr5:96,398,929, A>G on the plus strand (T>C on the coding strand, the complement: PCSK1 is on the minus strand). VCF-style: chr5-96398929-A-G. GRCh37 (hg19) VCF-style: chr5-95734633-A-G.
Other names: c.-175+19277A>G (NM_001423260.1, NM_001423254.1, NM_001423259.1 and 6 more transcripts); c.1397T>C, p.Ile466Thr (NM_001177875.2); c.-103+19277A>G (NM_001423253.1); c.-40+19277A>G (NM_001423258.1); short protein forms I466T, I513T.
Identifiers: ClinVar variation 3349094 (VCV003349094.1).